The following is an entry in ClinVar:

NM_001304438.2(TMEM132E):c.1355A>G (p.Asn452Ser)

Gene: TMEM132E (transmembrane protein 132E; plus strand). Cytogenetic location: 17q12.
Variant type: single nucleotide variant.
Coding change: c.1355A>G on transcript NM_001304438.2 (MANE Select); coding-DNA position 1355, A replaced by G.
Protein change: p.Asn452Ser; replaces asparagine 452 with serine.
Molecular consequence: missense variant.
Genome position (GRCh38, 1-based): chr17:34,630,024, A>G. VCF-style: chr17-34630024-A-G. GRCh37 (hg19) VCF-style: chr17-32957043-A-G.
Other names: short protein forms N452S.
Identifiers: ClinVar variation 2969208 (VCV002969208.1), dbSNP rs150666637, ClinGen allele CA8496678.
Genomic context (GRCh38, chr17:34,630,024, plus strand): 5'-AGAAGGGGACCACAAGTAGAGCCCCCCCCTTCTCCTCCCTGCAGGACACAGAGATCATCA[A>G]CACGGCCATTCTGACTGGCCGGACAGTGGCCATCCCTGTCAAGGTCATTGCCATCGAGGT-3'
Protein context (NP_001291367.1, residues 442-462): LPLAMDTEII[Asn452Ser]TAILTGRTVA

ClinVar aggregate classification (germline): Uncertain significance (1 of 4 stars; one submission).

Allele frequency attached by ClinVar (database versions not stated): gnomAD exomes below 0.00001; ExAC 0.00001; gnomAD 0.00001; TOPMed 0.00001; ESP Exome Variant Server 0.00008.
gnomAD v4.1: 5 of 1,610,808 alleles (0.00031%); highest among the groups gnomAD compares: Non-Finnish European, 0.00042%; no homozygotes.

Submission:

Labcorp Genetics (formerly Invitae), Labcorp
Classification: Uncertain significance. Last evaluated: 2023-10-22. Review status: criteria provided, single submitter. Criteria: Invitae Variant Classification Sherloc (09022015). Collection method: clinical testing. Allele origin: germline.
Comment: This sequence change replaces asparagine, which is neutral and polar, with serine, which is neutral and polar, at codon 452 of the TMEM132E protein (p.Asn452Ser). This variant is present in population databases (rs150666637, gnomAD 0.002%). This variant has not been reported in the literature in individuals affected with TMEM132E-related conditions. Experimental studies and prediction algorithms are not available or were not evaluated, and the functional significance of this variant is currently unknown. In summary, the available evidence is currently insufficient to determine the role of this variant in disease. Therefore, it has been classified as a Variant of Uncertain Significance.